The following is an entry in ClinVar:

NM_175875.5(SIX5):c.983T>C (p.Leu328Pro)

Genes: SIX5 (SIX homeobox 5; minus strand), LOC107075317 (origin of replication in DMPK trinucleotide repeat region; plus strand). Cytogenetic location: 19q13.32.
Variant type: single nucleotide variant.
Coding change: c.983T>C on transcript NM_175875.5 (MANE Select); coding-DNA position 983, T replaced by C.
Protein change: p.Leu328Pro; replaces leucine 328 with proline.
Molecular consequence: missense variant.
Genome position (GRCh38, 1-based): chr19:45,766,976, A>G on the plus strand (T>C on the coding strand, the complement: SIX5 is on the minus strand). VCF-style: chr19-45766976-A-G. GRCh37 (hg19) VCF-style: chr19-46270234-A-G.
Other names: short protein forms L328P.
Identifiers: ClinVar variation 4722207 (VCV004722207.1).

ClinVar aggregate classification (germline): Uncertain significance (1 of 4 stars; one submission).

Submission:

Labcorp Genetics (formerly Invitae), Labcorp
Classification: Uncertain significance. Last evaluated: 2025-12-15. Review status: criteria provided, single submitter. Criteria: Invitae Variant Classification Sherloc (09022015). Collection method: clinical testing. Allele origin: germline.
Comment: This sequence change replaces leucine, which is neutral and non-polar, with proline, which is neutral and non-polar, at codon 328 of the SIX5 protein (p.Leu328Pro). This variant is not present in population databases (gnomAD no frequency). This variant has not been reported in the literature in individuals affected with SIX5-related conditions. Invitae Evidence Modeling of protein sequence and biophysical properties (such as structural, functional, and spatial information, amino acid conservation, physicochemical variation, residue mobility, and thermodynamic stability) indicates that this missense variant is not expected to disrupt SIX5 protein function with a negative predictive value of 80%. In summary, the available evidence is currently insufficient to determine the role of this variant in disease. Therefore, it has been classified as a Variant of Uncertain Significance.